The following is an entry in ClinVar:

NM_000222.3(KIT):c.1594G>A (p.Val532Ile)

Gene: KIT (KIT proto-oncogene, receptor tyrosine kinase; plus strand). Cytogenetic location: 4q12.
Variant type: single nucleotide variant.
Coding change: c.1594G>A on transcript NM_000222.3 (MANE Select); coding-DNA position 1594, G replaced by A.
Protein change: p.Val532Ile; replaces valine 532 with isoleucine.
Molecular consequence: missense variant.
Genome position (GRCh38, 1-based): chr4:54,727,271, G>A. VCF-style: chr4-54727271-G-A. GRCh37 (hg19) VCF-style: chr4-55593437-G-A.
Other names: c.1582G>A, p.Val528Ile (NM_001093772.2, NM_001385286.1); c.1597G>A, p.Val533Ile (NM_001385284.1, NM_001385290.1); c.1594G>A, p.Val532Ile (NM_001385285.1); c.1585G>A, p.Val529Ile (NM_001385288.1, NM_001385292.1); short protein forms V532I, V528I, V529I, V533I.
Identifiers: ClinVar variation 237248 (VCV000237248.35), dbSNP rs55792975, ClinGen allele CA2923528.

ClinVar aggregate classification (germline): Conflicting classifications of pathogenicity. Review status: criteria provided, conflicting classifications (1 of 4 stars). 11 submissions from 9 submitters: Uncertain significance (5); Benign (2); Likely benign (3). 1 of the submissions does not count toward it. Last evaluated 2026-05-27.

Conditions:
KIT-related disorder. Also called: KIT-related condition.
Mastocytosis. Also called: Mast Cell Disease. Identifiers: Orphanet 98292, MedGen C0024899, MONDO:0007950, HP:0100495.
Hereditary cancer-predisposing syndrome. Also called: Tumor predisposition; Hereditary Cancer Syndrome; Neoplastic Syndromes, Hereditary; Hereditary neoplastic syndrome. Identifiers: Orphanet 140162, MedGen C0027672, MeSH D009386, MONDO:0015356.
Gastrointestinal stromal tumor. Also called: Gastrointestinal stromal tumor, somatic; Gastrointestinal stroma tumor. Identifiers: Orphanet 44890, MedGen C0238198, MeSH D046152, MONDO:0011719, OMIM 606764, HP:0100723.
Piebaldism. Also called: Piebald skin depigmentation. Identifiers: Orphanet 2884, MedGen C0080024, MONDO:0008244, OMIM 172800, HP:0007544.

Allele frequency attached by ClinVar (database versions not stated): ESP Exome Variant Server 0.00046; ExAC 0.00016; gnomAD exomes 0.00018 and 0.00011; gnomAD 0.00025 and 0.00028; 1000 Genomes Project 30x 0.00031; TOPMed 0.00034.
gnomAD v4.1: 207 of 1,614,124 alleles (0.013%); highest among the groups gnomAD compares: African/African-American, 0.067%; no homozygotes.

Submissions (11):

Myriad Genetics, Inc.
Classification: Likely benign for Gastrointestinal stromal tumor. Last evaluated: 2026-05-27. Review status: criteria provided, single submitter. Criteria: Myriad Autosomal Dominant, Autosomal Recessive and X-Linked Classification Criteria (2023). Collection method: clinical testing. Allele origin: unknown.
Comment: This variant is considered likely benign. This variant has been observed at a population frequency that is significantly greater than expected given the associated disease prevalence and penetrance.

PreventionGenetics, part of Exact Sciences
Classification: Uncertain significance for KIT-related condition. Last evaluated: 2026-02-10. Review status: criteria provided, single submitter. Criteria: ACMG Guidelines, 2015. Collection method: clinical testing. Allele origin: germline.
Comment: The KIT c.1594G>A variant is predicted to result in the amino acid substitution p.Val532Ile. To our knowledge, this variant has not been reported in the literature. This variant is reported in 0.052% of alleles in individuals of African descent in gnomAD and has conflicting interpretations regarding its pathogenicity in ClinVar, ranging from uncertain to benign (Variation ID: 237248). Although we suspect that this variant is benign, at this time, the clinical significance of this variant is uncertain due to the absence of conclusive functional and genetic evidence.

Labcorp Genetics (formerly Invitae), Labcorp
Classification: Uncertain significance for Gastrointestinal stromal tumor. Last evaluated: 2026-02-01. Review status: criteria provided, single submitter. Criteria: Invitae Variant Classification Sherloc (09022015). Collection method: clinical testing. Allele origin: germline.
Comment: This sequence change replaces valine, which is neutral and non-polar, with isoleucine, which is neutral and non-polar, at codon 532 of the KIT protein (p.Val532Ile). This variant is present in population databases (rs55792975, gnomAD 0.05%), and has an allele count higher than expected for a pathogenic variant. This variant has not been reported in the literature in individuals affected with KIT-related conditions. ClinVar contains an entry for this variant (Variation ID: 237248). An algorithm developed to predict the effect of missense changes on protein structure and function (PolyPhen-2) suggests that this variant is likely to be tolerated. In summary, the available evidence is currently insufficient to determine the role of this variant in disease. Therefore, it has been classified as a Variant of Uncertain Significance.

CeGaT Center for Human Genetics Tuebingen
Classification: Likely benign. Last evaluated: 2025-07-01. Review status: criteria provided, single submitter. Criteria: CeGaT Center For Human Genetics Tuebingen Variant Classification Criteria Version 2. Collection method: clinical testing. Allele origin: germline. Affected: yes. Observed: 1 variant allele.
Comment: KIT: BP4

Ambry Genetics
Classification: Benign for Hereditary cancer-predisposing syndrome. Last evaluated: 2024-08-20. Review status: criteria provided, single submitter. Criteria: Ambry Variant Classification Scheme 2023. Collection method: clinical testing. Allele origin: germline.

St. Jude Molecular Pathology, St. Jude Children's Research Hospital
Classification: Uncertain significance for Gastrointestinal stromal tumor. Last evaluated: 2023-12-14. Review status: criteria provided, single submitter. Criteria: St. Jude Assertion Criteria 2020. Collection method: clinical testing. Allele origin: germline.
Comment: The KIT c.1594G>A (p.Val532Ile) missense change has a maximum subpopulation frequency of 0.052% in gnomAD v2.1.1. The in silico tool REVEL predicts a benign effect on protein function, but to our knowledge this prediction has not been confirmed by functional studies. To our knowledge, this variant has not been reported in individuals with KIT-related tumors. In summary, the evidence currently available is insufficient to determine the clinical significance of this variant. It has therefore been classified as of uncertain significance.

Institute for Clinical Genetics, University Hospital TU Dresden, University Hospital TU Dresden
Classification: Uncertain significance. Last evaluated: 2021-11-03. Review status: criteria provided, single submitter. Criteria: ACMG Guidelines, 2015. Collection method: clinical testing. Allele origin: germline.

Illumina Laboratory Services, Illumina
Classification: Benign for Cutaneous mastocytosis. Last evaluated: 2017-04-27. Review status: criteria provided, single submitter. Criteria: ICSL Variant Classification Criteria 13 December 2019. Collection method: clinical testing. Allele origin: germline.
Comment: This variant was observed as part of a predisposition screen in an ostensibly healthy population. A literature search was performed for the gene, cDNA change, and amino acid change (where applicable). Publications were found based on this search. The evidence from the literature, in combination with allele frequency data from public databases where available, was sufficient to rule this variant out of causing disease. Therefore, this variant is classified as benign.

Illumina Laboratory Services, Illumina
Classification: Likely benign for Gastrointestinal stromal tumor. Last evaluated: 2017-04-27. Review status: criteria provided, single submitter. Criteria: ICSL Variant Classification Criteria 13 December 2019. Collection method: clinical testing. Allele origin: germline.
Comment: This variant was observed as part of a predisposition screen in an ostensibly healthy population. A literature search was performed for the gene, cDNA change, and amino acid change (where applicable). Publications were found based on this search. The evidence from the literature, in combination with allele frequency data from public databases where available, was sufficient to determine this variant is unlikely to cause disease. Therefore, this variant is classified as likely benign.

Illumina Laboratory Services, Illumina
Classification: Uncertain significance for Piebaldism. Last evaluated: 2017-04-27. Review status: criteria provided, single submitter. Criteria: ICSL Variant Classification Criteria 13 December 2019. Collection method: clinical testing. Allele origin: germline.
Comment: This variant was observed as part of a predisposition screen in an ostensibly healthy population. A literature search was performed for the gene, cDNA change, and amino acid change (where applicable). Publications were found based on this search. However, the evidence from the literature, in combination with allele frequency data from public databases where available, was not sufficient to rule this variant in or out of causing disease. Therefore, this variant is classified as a variant of unknown significance.

Genetic Services Laboratory, University of Chicago
Classification: Uncertain significance. Last evaluated: 2022-10-02. Review status: no assertion criteria provided. Collection method: clinical testing. Allele origin: germline. Affected: no. Not counted in ClinVar's aggregate classification.
Comment: DNA sequence analysis of the KIT gene demonstrated a sequence change, c.1594G>A, in exon 10 that results in an amino acid change, p.Val532Ile. This sequence change does not appear to have been previously described in individuals with KIT-related disorders. This sequence change has been described in the gnomAD database with a frequency of 0.05% in the African subpopulation (dbSNP rs55792975). The p.Val532Ile change affects a poorly conserved amino acid residue located in a domain of the KIT protein that is known to be functional. In-silico pathogenicity prediction tools (SIFT, PolyPhen2, Align GVGD, REVEL) provide contradictory results for the p.Val532Ile substitution. Due to insufficient evidences and the lack of functional studies, the clinical significance of the p.Val532Ile change remains unknown at this time.

Literature cited by the submitters: PubMed 20140688 (cited by Illumina Laboratory Services, Illumina).